The following is an entry in ClinVar:

ClinVar aggregate classification (germline): Uncertain significance (1 of 4 stars; one submission).

Conditions:
Nemaline myopathy 2 (NEM2). Also called: Nemaline myopathy 2, autosomal recessive. Identifiers: MedGen C1850569, MONDO:0009725, OMIM 256030.

Allele frequency attached by ClinVar (database versions not stated): gnomAD exomes below 0.00001; TOPMed below 0.00001; gnomAD 0.00001.
gnomAD v4.1: 4 of 1,612,900 alleles (0.00025%); highest among the groups gnomAD compares: Non-Finnish European, 0.00034%; no homozygotes.

Submission:

Labcorp Genetics (formerly Invitae), Labcorp
Classification: Uncertain significance for Nemaline myopathy 2. Last evaluated: 2021-09-01. Review status: criteria provided, single submitter. Criteria: Invitae Variant Classification Sherloc (09022015). Collection method: clinical testing. Allele origin: germline.
Comment: This sequence change replaces aspartic acid with glutamic acid at codon 130 of the NEB protein (p.Asp130Glu). The aspartic acid residue is moderately conserved and there is a small physicochemical difference between aspartic acid and glutamic acid. This variant is not present in population databases (ExAC no frequency). This variant has not been reported in the literature in individuals affected with NEB-related conditions. Algorithms developed to predict the effect of missense changes on protein structure and function are either unavailable or do not agree on the potential impact of this missense change (SIFT: "Deleterious"; PolyPhen-2: "Not Available"; Align-GVGD: "Class C0"). In summary, the available evidence is currently insufficient to determine the role of this variant in disease. Therefore, it has been classified as a Variant of Uncertain Significance.

NM_001164508.2(NEB):c.390T>A (p.Asp130Glu)

Gene: NEB (nebulin; minus strand). Cytogenetic location: 2q23.3.
Variant type: single nucleotide variant.
Coding change: c.390T>A on transcript NM_001164508.2 (MANE Select); coding-DNA position 390, T replaced by A.
Protein change: p.Asp130Glu; replaces aspartic acid 130 with glutamic acid.
Molecular consequence: missense variant.
Genome position (GRCh38, 1-based): chr2:151,725,465, A>T on the plus strand (T>A on the coding strand, the complement: NEB is on the minus strand). VCF-style: chr2-151725465-A-T. GRCh37 (hg19) VCF-style: chr2-152581979-A-T.
Other names: c.390T>A, p.Asp130Glu (NM_001164507.2, NM_001271208.2, NM_004543.5); short protein forms D130E.
Identifiers: ClinVar variation 1002446 (VCV001002446.6), dbSNP rs2099787749, ClinGen allele CA348793363.
Genomic context (GRCh38, chr2:151,725,465, plus strand): 5'-GGTGTATTTTGAAATGTCCCTCTCCTTTATTTCAGCAATGCAGCCCACCTCACTGAGTTG[A>T]TCTTGTACTTTTTTGATTCTGCGAAGTTCTGGAGTATCTGTTGTGCTGGCGTATGGCTGT-3'
Protein context (NP_001157980.2, residues 120-140): PELRRIKKVQ[Asp130Glu]QLSEVKYRMD